The following is an entry in ClinVar:

ClinVar aggregate classification (germline): Uncertain significance (1 of 4 stars; one submission).

Conditions:
Gorlin syndrome. Also called: Basal cell nevus syndrome; Nevoid Basal Cell Carcinoma Syndrome. Identifiers: Orphanet 377, MedGen C0004779, MONDO:0007187.

Submission:

Labcorp Genetics (formerly Invitae), Labcorp
Classification: Uncertain significance for Gorlin syndrome. Last evaluated: 2022-08-03. Review status: criteria provided, single submitter. Criteria: Invitae Variant Classification Sherloc (09022015). Collection method: clinical testing. Allele origin: germline.
Comment: This variant has not been reported in the literature in individuals affected with PTCH1-related conditions. In summary, the available evidence is currently insufficient to determine the role of this variant in disease. Therefore, it has been classified as a Variant of Uncertain Significance. Advanced modeling of protein sequence and biophysical properties (such as structural, functional, and spatial information, amino acid conservation, physicochemical variation, residue mobility, and thermodynamic stability) performed at Invitae indicates that this missense variant is not expected to disrupt PTCH1 protein function. This sequence change replaces phenylalanine, which is neutral and non-polar, with leucine, which is neutral and non-polar, at codon 795 of the PTCH1 protein (p.Phe795Leu). This variant is not present in population databases (gnomAD no frequency).

NM_000264.5(PTCH1):c.2383T>C (p.Phe795Leu)

Genes: PTCH1 (patched 1; minus strand), LOC100507346 (uncharacterized LOC100507346; plus strand). Cytogenetic location: 9q22.32.
Variant type: single nucleotide variant.
Coding change: c.2383T>C on transcript NM_000264.5 (MANE Select); coding-DNA position 2383, T replaced by C.
Protein change: p.Phe795Leu; replaces phenylalanine 795 with leucine.
Molecular consequence: missense variant.
Genome position (GRCh38, 1-based): chr9:95,467,293, A>G on the plus strand (T>C on the coding strand, the complement: PTCH1 is on the minus strand). VCF-style: chr9-95467293-A-G. GRCh37 (hg19) VCF-style: chr9-98229575-A-G.
Other names: c.2185T>C, p.Phe729Leu (NM_001083602.3); c.2380T>C, p.Phe794Leu (NM_001083603.3); c.1930T>C, p.Phe644Leu (NM_001083604.3, NM_001083605.3, NM_001083606.3 and 1 more transcripts); c.2227T>C, p.Phe743Leu (NM_001354918.2); short protein forms F795L, F644L, F729L, F743L, F794L.
Identifiers: ClinVar variation 1963206 (VCV001963206.5), dbSNP rs2117965724, ClinGen allele CA374114409.